The following is an entry in ClinVar:

ClinVar aggregate classification (germline): Pathogenic/Likely pathogenic. Review status: criteria provided, multiple submitters, no conflicts (2 of 4 stars). 2 submissions from 2 submitters: Pathogenic (1); Likely pathogenic (1). Last evaluated 2026-01-26.

Conditions:
Primary ciliary dyskinesia. Also called: Ciliary dyskinesia. Identifiers: Orphanet 244, MedGen C0008780, MONDO:0016575, HP:0012265.
Primary ciliary dyskinesia 7. Also called: CILIARY DYSKINESIA, PRIMARY, 7, WITH OR WITHOUT SITUS INVERSUS. Identifiers: Orphanet 244, MedGen C2678473, MONDO:0012748, OMIM 611884.

Allele frequency attached by ClinVar (database versions not stated): TOPMed below 0.00001; gnomAD 0.00001.
gnomAD v4.1: 2 of 1,613,846 alleles (0.00012%); highest among the groups gnomAD compares: Admixed American, 0.0017%; no homozygotes.

Submissions (2):

Medical and Scientific Branch, Hong Kong Genome Institute
Classification: Likely pathogenic for Primary ciliary dyskinesia 7. Last evaluated: 2026-01-26. Review status: criteria provided, single submitter. Criteria: ACMG Guidelines, 2015. Collection method: clinical testing. Allele origin: maternal. Affected: yes.

Labcorp Genetics (formerly Invitae), Labcorp
Classification: Pathogenic for Primary ciliary dyskinesia. Last evaluated: 2023-10-13. Review status: criteria provided, single submitter. Criteria: Invitae Variant Classification Sherloc (09022015). Collection method: clinical testing. Allele origin: germline.
Comment: This sequence change creates a premature translational stop signal (p.Gln3597*) in the DNAH11 gene. It is expected to result in an absent or disrupted protein product. Loss-of-function variants in DNAH11 are known to be pathogenic (PMID: 18022865, 20513915, 22184204). This variant is not present in population databases (gnomAD no frequency). This variant has not been reported in the literature in individuals affected with DNAH11-related conditions. ClinVar contains an entry for this variant (Variation ID: 410859). For these reasons, this variant has been classified as Pathogenic.

Literature cited by the submitters: PubMed 18022865 (cited by Labcorp Genetics (formerly Invitae), Labcorp); PubMed 20513915 (cited by Labcorp Genetics (formerly Invitae), Labcorp); PubMed 22184204 (cited by Labcorp Genetics (formerly Invitae), Labcorp).

NM_001277115.2(DNAH11):c.10789C>T (p.Gln3597Ter)

Gene: DNAH11 (dynein axonemal heavy chain 11; plus strand). Cytogenetic location: 7p15.3.
Variant type: single nucleotide variant.
Coding change: c.10789C>T on transcript NM_001277115.2 (MANE Select); coding-DNA position 10789, C replaced by T.
Protein change: p.Gln3597Ter; replaces glutamine 3597 with a stop codon.
Molecular consequence: nonsense.
Genome position (GRCh38, 1-based): chr7:21,842,641, C>T. VCF-style: chr7-21842641-C-T. GRCh37 (hg19) VCF-style: chr7-21882259-C-T.
Other names: short protein forms Q3597*.
Identifiers: ClinVar variation 410859 (VCV000410859.7), dbSNP rs1060503063, ClinGen allele CA16612083.